The following is an entry in ClinVar:

NM_001080779.2(MYO1C):c.3072G>A (p.Thr1024=)

Gene: MYO1C (myosin IC; minus strand). Cytogenetic location: 17p13.3.
Variant type: single nucleotide variant.
Coding change: c.3072G>A on transcript NM_001080779.2 (MANE Select); coding-DNA position 3072, G replaced by A.
Protein change: p.Thr1024=; no amino-acid change (threonine 1024 retained).
Molecular consequence: synonymous variant.
Genome position (GRCh38, 1-based): chr17:1,467,335, C>T on the plus strand (G>A on the coding strand, the complement: MYO1C is on the minus strand). VCF-style: chr17-1467335-C-T. GRCh37 (hg19) VCF-style: chr17-1370629-C-T.
Other names: c.3015G>A, p.Thr1005= (NM_001080950.2); c.3000G>A, p.Thr1000= (NM_001363855.1); c.2967G>A, p.Thr989= (NM_033375.5).
Identifiers: ClinVar variation 1675652 (VCV001675652.33), dbSNP rs775198165, ClinGen allele CA8266651.

ClinVar aggregate classification (germline): Likely benign (1 of 4 stars; one submission).

Allele frequency attached by ClinVar (database versions not stated): gnomAD exomes 0.00007 and 0.00021; ExAC 0.00008; gnomAD 0.00008 and 0.00009; TOPMed 0.00010.
gnomAD v4.1: 321 of 1,612,580 alleles (0.02%); highest among the groups gnomAD compares: Non-Finnish European, 0.026%; no homozygotes.

Submission:

CeGaT Center for Human Genetics Tuebingen
Classification: Likely benign. Last evaluated: 2022-03-01. Review status: criteria provided, single submitter. Criteria: CeGaT Center For Human Genetics Tuebingen Variant Classification Criteria Version 2. Collection method: clinical testing. Allele origin: germline. Affected: yes. Observed: 1 variant allele.
Comment: MYO1C: BP4, BP7